The following is an entry in ClinVar:

ClinVar aggregate classification (germline): Uncertain significance. Review status: criteria provided, multiple submitters, no conflicts (2 of 4 stars). 2 submissions from 2 submitters: Uncertain significance (2). Last evaluated 2025-10-27.

Conditions:
Hereditary cancer-predisposing syndrome. Also called: Tumor predisposition; Hereditary Cancer Syndrome; Neoplastic Syndromes, Hereditary; Hereditary neoplastic syndrome. Identifiers: Orphanet 140162, MedGen C0027672, MeSH D009386, MONDO:0015356.
Tuberous sclerosis 2 (TSC2). Identifiers: Orphanet 805, MedGen C1860707, MONDO:0013199, OMIM 613254.

Allele frequency attached by ClinVar (database versions not stated): gnomAD exomes below 0.00001; gnomAD 0.00001.

Submissions (2):

Ambry Genetics
Classification: Uncertain significance for Hereditary cancer-predisposing syndrome. Last evaluated: 2025-10-27. Review status: criteria provided, single submitter. Criteria: Ambry Variant Classification Scheme 2023. Collection method: clinical testing. Allele origin: germline.
Comment: The p.R1240H variant (also known as c.3719G>A), located in coding exon 30 of the TSC2 gene, results from a G to A substitution at nucleotide position 3719. The arginine at codon 1240 is replaced by histidine, an amino acid with highly similar properties. This amino acid position is well conserved in available vertebrate species. In addition, this alteration is predicted to be deleterious by in silico analysis. Since supporting evidence is limited at this time, the clinical significance of this alteration remains unclear.

Labcorp Genetics (formerly Invitae), Labcorp
Classification: Uncertain significance for Tuberous sclerosis 2. Last evaluated: 2024-11-09. Review status: criteria provided, single submitter. Criteria: Invitae Variant Classification Sherloc (09022015). Collection method: clinical testing. Allele origin: germline.
Comment: This sequence change replaces arginine, which is basic and polar, with histidine, which is basic and polar, at codon 1240 of the TSC2 protein (p.Arg1240His). This variant is not present in population databases (gnomAD no frequency). This variant has not been reported in the literature in individuals affected with TSC2-related conditions. ClinVar contains an entry for this variant (Variation ID: 862069). Invitae Evidence Modeling of protein sequence and biophysical properties (such as structural, functional, and spatial information, amino acid conservation, physicochemical variation, residue mobility, and thermodynamic stability) indicates that this missense variant is not expected to disrupt TSC2 protein function with a negative predictive value of 95%. In summary, the available evidence is currently insufficient to determine the role of this variant in disease. Therefore, it has been classified as a Variant of Uncertain Significance.

NM_000548.5(TSC2):c.3719G>A (p.Arg1240His)

Gene: TSC2 (TSC complex subunit 2; plus strand). Cytogenetic location: 16p13.3.
Variant type: single nucleotide variant.
Coding change: c.3719G>A on transcript NM_000548.5 (MANE Select); coding-DNA position 3719, G replaced by A.
Protein change: p.Arg1240His; replaces arginine 1240 with histidine.
Molecular consequence: missense variant.
Genome position (GRCh38, 1-based): chr16:2,081,703, G>A. VCF-style: chr16-2081703-G-A. GRCh37 (hg19) VCF-style: chr16-2131704-G-A.
Other names: c.3587G>A, p.Arg1196His (NM_001077183.3, NM_001370404.1); c.3719G>A, p.Arg1240His (NM_001114382.3); c.3479G>A, p.Arg1160His (NM_001318827.2); c.3443G>A, p.Arg1148His (NM_001318829.2); c.2987G>A, p.Arg996His (NM_001318831.2); c.3620G>A, p.Arg1207His (NM_001318832.2); c.3590G>A, p.Arg1197His (NM_001363528.2, NM_001370405.1, NM_021055.3); short protein forms R1148H, R1207H, R1160H, R1196H, R1197H, R996H, R1240H.
Identifiers: ClinVar variation 862069 (VCV000862069.13), dbSNP rs1567510707, ClinGen allele CA394292758.